The following is an entry in ClinVar:

NM_004260.4(RECQL4):c.3523C>T (p.Gln1175Ter)

Gene: RECQL4 (RecQ like helicase 4; minus strand). Cytogenetic location: 8q24.3.
Variant type: single nucleotide variant.
Coding change: c.3523C>T on transcript NM_004260.4 (MANE Select); coding-DNA position 3523, C replaced by T.
Protein change: p.Gln1175Ter; replaces glutamine 1175 with a stop codon.
Molecular consequence: nonsense.
Genome position (GRCh38, 1-based): chr8:144,511,535, G>A on the plus strand (C>T on the coding strand, the complement: RECQL4 is on the minus strand). VCF-style: chr8-144511535-G-A. GRCh37 (hg19) VCF-style: chr8-145736918-G-A.
Other names: short protein forms Q1175*.
Identifiers: ClinVar variation 445453 (VCV000445453.8), dbSNP rs879192998, ClinGen allele CA187678162.

ClinVar aggregate classification (germline): Conflicting classifications of pathogenicity. Review status: criteria provided, conflicting classifications (1 of 4 stars). 2 submissions from 2 submitters: Likely pathogenic (1); Uncertain significance (1). Last evaluated 2023-02-23.

Conditions:
Baller-Gerold syndrome (BGS). Also called: CRANIOSYNOSTOSIS WITH RADIAL DEFECTS. Identifiers: Orphanet 1225, MedGen C0265308, MONDO:0009039, OMIM 218600.

Submissions (2):

Labcorp Genetics (formerly Invitae), Labcorp
Classification: Uncertain significance for Baller-Gerold syndrome. Last evaluated: 2023-02-23. Review status: criteria provided, single submitter. Criteria: Invitae Variant Classification Sherloc (09022015). Collection method: clinical testing. Allele origin: germline.
Comment: In summary, the available evidence is currently insufficient to determine the role of this variant in disease. Therefore, it has been classified as a Variant of Uncertain Significance. Experimental studies and prediction algorithms are not available or were not evaluated, and the functional significance of this variant is currently unknown. ClinVar contains an entry for this variant (Variation ID: 445453). This premature translational stop signal has been observed in individual(s) with Rothmund-Thomson syndrome (PMID: 12734318). This variant is not present in population databases (gnomAD no frequency). This sequence change creates a premature translational stop signal (p.Gln1175*) in the RECQL4 gene. While this is not anticipated to result in nonsense mediated decay, it is expected to disrupt the last 34 amino acid(s) of the RECQL4 protein.

Center for Pediatric Genomic Medicine, Children's Mercy Hospital and Clinics
Classification: Likely pathogenic. Last evaluated: 2017-03-30. Review status: criteria provided, single submitter. Criteria: ACMG Guidelines, 2015. Collection method: clinical testing. Allele origin: germline.

Literature cited by the submitters: PubMed 12734318 (cited by Labcorp Genetics (formerly Invitae), Labcorp).